The following is an entry in ClinVar:

NM_000535.7(PMS2):c.445T>G (p.Tyr149Asp)

Gene: PMS2 (PMS1 homolog 2, mismatch repair system component; minus strand). Cytogenetic location: 7p22.1.
Variant type: single nucleotide variant.
Coding change: c.445T>G on transcript NM_000535.7 (MANE Select); coding-DNA position 445, T replaced by G.
Protein change: p.Tyr149Asp; replaces tyrosine 149 with aspartic acid.
Molecular consequence: missense variant. On other transcripts: 5 prime UTR variant (2), non-coding transcript variant (1), intron variant (1).
Genome position (GRCh38, 1-based): chr7:6,002,545, A>C on the plus strand (T>G on the coding strand, the complement: PMS2 is on the minus strand). VCF-style: chr7-6002545-A-C. GRCh37 (hg19) VCF-style: chr7-6042176-A-C.
Other names: c.40T>G, p.Tyr14Asp (NM_001406887.1, NM_001406888.1, NM_001406889.1 and 25 more transcripts); c.445T>G, p.Tyr149Asp (NM_001322006.2, NM_001322014.2, NM_001406869.1 and 8 more transcripts); c.127T>G, p.Tyr43Asp (NM_001322007.2, NM_001322008.2, NM_001406876.1 and 4 more transcripts); c.-440T>G (NM_001322011.2, NM_001322012.2); c.136T>G, p.Tyr46Asp (NM_001322015.2, NM_001406875.1, NM_001406877.1 and 6 more transcripts); c.631T>G, p.Tyr211Asp (NM_001406866.1); c.469T>G, p.Tyr157Asp (NM_001406868.1); c.250+1427T>G (NM_001406885.1); short protein forms Y157D, Y43D, Y14D, Y211D, Y149D, Y46D.
Identifiers: ClinVar variation 2451625 (VCV002451625.2), dbSNP rs890029950, ClinGen allele CA366744333.

ClinVar aggregate classification (germline): Uncertain significance (1 of 4 stars; one submission).

Conditions:
Hereditary cancer-predisposing syndrome. Also called: Neoplastic Syndromes, Hereditary; Tumor predisposition; Hereditary neoplastic syndrome; Hereditary Cancer Syndrome. Identifiers: Orphanet 140162, MedGen C0027672, MeSH D009386, MONDO:0015356.

Submission:

Ambry Genetics
Classification: Uncertain significance for Hereditary cancer-predisposing syndrome. Last evaluated: 2023-02-16. Review status: criteria provided, single submitter. Criteria: Ambry Variant Classification Scheme 2023. Collection method: clinical testing. Allele origin: germline.
Comment: The p.Y149D variant (also known as c.445T>G), located in coding exon 5 of the PMS2 gene, results from a T to G substitution at nucleotide position 445. The tyrosine at codon 149 is replaced by aspartic acid, an amino acid with highly dissimilar properties. This amino acid position is conserved. In addition, this alteration is predicted to be tolerated by in silico analysis. Since supporting evidence is limited at this time, the clinical significance of this alteration remains unclear.